The following is an entry in ClinVar:

NM_005068.3(SIM1):c.473G>T (p.Arg158Leu)

Gene: SIM1 (SIM bHLH transcription factor 1; minus strand). Cytogenetic location: 6q16.3.
Variant type: single nucleotide variant.
Coding change: c.473G>T on transcript NM_005068.3 (MANE Select); coding-DNA position 473, G replaced by T.
Protein change: p.Arg158Leu; replaces arginine 158 with leucine.
Molecular consequence: missense variant.
Genome position (GRCh38, 1-based): chr6:100,449,433, C>A on the plus strand (G>T on the coding strand, the complement: SIM1 is on the minus strand). VCF-style: chr6-100449433-C-A. GRCh37 (hg19) VCF-style: chr6-100897309-C-A.
Other names: c.473G>T, p.Arg158Leu (NM_001374769.1); short protein forms R158L.
Identifiers: ClinVar variation 2663342 (VCV002663342.2), dbSNP rs767580244, ClinGen allele CA3937292.

ClinVar aggregate classification (germline): Uncertain significance. Review status: criteria provided, multiple submitters, no conflicts (2 of 4 stars). 2 submissions from 2 submitters: Uncertain significance (2). Last evaluated 2025-09-18.

Conditions:
SIM1-related disorder. Also called: SIM1-related condition; SIM1-related disorders.

Allele frequency attached by ClinVar (database versions not stated): ExAC 0.00001; TOPMed 0.00001.
gnomAD v4.1: 2 of 1,613,912 alleles (0.00012%); highest among the groups gnomAD compares: Non-Finnish European, 0.00017%; no homozygotes.

Submissions (2):

PreventionGenetics, part of Exact Sciences
Classification: Uncertain significance for SIM1-related condition. Last evaluated: 2025-09-18. Review status: criteria provided, single submitter. Criteria: ACMG Guidelines, 2015. Collection method: clinical testing. Allele origin: germline.
Comment: The SIM1 c.473G>T variant is predicted to result in the amino acid substitution p.Arg158Leu. To our knowledge, this variant has not been reported in the literature. This variant is reported in 0.00088% of alleles in individuals of European (Non-Finnish) descent in gnomAD. At this time, the clinical significance of this variant is uncertain due to the absence of conclusive functional and genetic evidence.

GeneDx
Classification: Uncertain significance. Last evaluated: 2023-04-27. Review status: criteria provided, single submitter. Criteria: GeneDx Variant Classification Process June 2021. Collection method: clinical testing. Allele origin: germline. Affected: yes.
Comment: Not observed at significant frequency in large population cohorts (gnomAD); In silico analysis supports that this missense variant has a deleterious effect on protein structure/function; Has not been previously published as pathogenic or benign to our knowledge